The following is an entry in ClinVar:

ClinVar aggregate classification (germline): Uncertain significance (1 of 4 stars; one submission).

Allele frequency attached by ClinVar (database versions not stated): gnomAD exomes below 0.00001; ExAC 0.00001.
gnomAD v4.1: 2 of 1,613,632 alleles (0.00012%); highest among the groups gnomAD compares: Non-Finnish European, 0.00017%; no homozygotes.

Submission:

Labcorp Genetics (formerly Invitae), Labcorp
Classification: Uncertain significance. Last evaluated: 2021-09-01. Review status: criteria provided, single submitter. Criteria: Invitae Variant Classification Sherloc (09022015). Collection method: clinical testing. Allele origin: germline.
Comment: This sequence change replaces glycine with serine at codon 288 of the COL7A1 protein (p.Gly288Ser). The glycine residue is moderately conserved and there is a small physicochemical difference between glycine and serine. This variant is present in population databases (rs747720093, ExAC 0.002%). This variant has not been reported in the literature in individuals affected with COL7A1-related conditions. Advanced modeling of protein sequence and biophysical properties (such as structural, functional, and spatial information, amino acid conservation, physicochemical variation, residue mobility, and thermodynamic stability) performed at Invitae indicates that this missense variant is not expected to disrupt COL7A1 protein function. In summary, the available evidence is currently insufficient to determine the role of this variant in disease. Therefore, it has been classified as a Variant of Uncertain Significance.

NM_000094.4(COL7A1):c.862G>A (p.Gly288Ser)

Gene: COL7A1 (collagen type VII alpha 1 chain; minus strand). Cytogenetic location: 3p21.31.
Variant type: single nucleotide variant.
Coding change: c.862G>A on transcript NM_000094.4 (MANE Select); coding-DNA position 862, G replaced by A.
Protein change: p.Gly288Ser; replaces glycine 288 with serine.
Molecular consequence: missense variant.
Genome position (GRCh38, 1-based): chr3:48,592,684, C>T on the plus strand (G>A on the coding strand, the complement: COL7A1 is on the minus strand). VCF-style: chr3-48592684-C-T. GRCh37 (hg19) VCF-style: chr3-48630117-C-T.
Other names: short protein forms G288S.
Identifiers: ClinVar variation 1504252 (VCV001504252.5), dbSNP rs747720093, ClinGen allele CA2381419.
Genomic context (GRCh38, chr3:48,592,684, plus strand): 5'-TCACAGTCACTTGGTACTCGGTCAGTGGCCGGAGACCCCGCAGCCGCACACTGGTCTCAC[C>T]AGCTGGGACGTTCACCTGCCCAGGGCAAGAGGTCACTTTATCTTGCCCAGCCAAGTCCCC-3'
Protein context (NP_000085.1, residues 278-298): SERQEVNVPA[Gly288Ser]ETSVRLRGLR